The following is an entry in ClinVar:

ClinVar aggregate classification (germline): Uncertain significance (1 of 4 stars; one submission).

gnomAD v4.1: 1 of 1,519,422 alleles (0.000066%); no homozygotes.

Submission:

Ambry Genetics
Classification: Uncertain significance. Last evaluated: 2025-07-14. Review status: criteria provided, single submitter. Criteria: Ambry Variant Classification Scheme 2023. Collection method: clinical testing. Allele origin: germline.
Comment: The p.C126R variant (also known as c.376T>C), located in coding exon 1 of the PALLD gene, results from a T to C substitution at nucleotide position 376. The cysteine at codon 126 is replaced by arginine, an amino acid with highly dissimilar properties. This amino acid position is conserved. In addition, this alteration is predicted to be tolerated by in silico analysis. Based on the available evidence, the clinical significance of this variant remains unclear.

NM_001166108.2(PALLD):c.1965-12655T>C

Gene: PALLD (palladin, cytoskeletal associated protein; plus strand). Cytogenetic location: 4q32.3.
Variant type: single nucleotide variant.
Coding change: c.1965-12655T>C on transcript NM_001166108.2 (MANE Select); 12655 bases into the intron before coding-DNA position 1965, T replaced by C.
Molecular consequence: intron variant. On other transcripts: missense variant (1).
Genome position (GRCh38, 1-based): chr4:168,878,267, T>C. VCF-style: chr4-168878267-T-C. GRCh37 (hg19) VCF-style: chr4-169799418-T-C.
Other names: c.376T>C, p.Cys126Arg (NM_001166110.2); c.1965-12655T>C (NM_016081.4); c.819-12655T>C (NM_001166109.2); c.-157-12655T>C (NM_001367570.1, NM_001367568.1, NM_001367567.1 and 1 more transcripts); short protein forms C126R.
Identifiers: ClinVar variation 4130380 (VCV004130380.1).
Genomic context (GRCh38, chr4:168,878,267, plus strand): 5'-GACGTGTTCCCACTGCCGCCGCCACCACCGCCGCTCCCGAGCCCGGGACAGGCGTCCCAC[T>C]GCTCGTCGCCTGCCACCCGCTTCGGCCACAGCCAGACGCCCGCGGCCTTCCTCAGCGCTC-3'